The following is an entry in ClinVar:

ClinVar aggregate classification (germline): Likely benign (1 of 4 stars; one submission).

Allele frequency attached by ClinVar (database versions not stated): gnomAD exomes below 0.00001; ExAC 0.00001; gnomAD 0.00001; TOPMed 0.00001.
gnomAD v4.1: 4 of 1,595,484 alleles (0.00025%); highest among the groups gnomAD compares: African/African-American, 0.0054%; no homozygotes.

Submission:

CeGaT Center for Human Genetics Tuebingen
Classification: Likely benign. Last evaluated: 2023-09-01. Review status: criteria provided, single submitter. Criteria: CeGaT Center For Human Genetics Tuebingen Variant Classification Criteria Version 2. Collection method: clinical testing. Allele origin: germline. Affected: yes. Observed: 1 variant allele.
Comment: UBR1: BP4, BP7

NM_174916.3(UBR1):c.2046G>A (p.Lys682=)

Gene: UBR1 (ubiquitin protein ligase E3 component n-recognin 1; minus strand). Cytogenetic location: 15q15.2.
Variant type: single nucleotide variant.
Coding change: c.2046G>A on transcript NM_174916.3 (MANE Select); coding-DNA position 2046, G replaced by A.
Protein change: p.Lys682=; no amino-acid change (lysine 682 retained).
Molecular consequence: synonymous variant.
Genome position (GRCh38, 1-based): chr15:43,036,570, C>T on the plus strand (G>A on the coding strand, the complement: UBR1 is on the minus strand). VCF-style: chr15-43036570-C-T. GRCh37 (hg19) VCF-style: chr15-43328768-C-T.
Identifiers: ClinVar variation 2582930 (VCV002582930.25), dbSNP rs747030800, ClinGen allele CA7518575.